The following is an entry in ClinVar:

NM_001046.3(SLC12A2):c.2718A>C (p.Leu906Phe)

Gene: SLC12A2 (solute carrier family 12 member 2; plus strand). Cytogenetic location: 5q23.3.
Variant type: single nucleotide variant.
Coding change: c.2718A>C on transcript NM_001046.3 (MANE Select); coding-DNA position 2718, A replaced by C.
Protein change: p.Leu906Phe; replaces leucine 906 with phenylalanine.
Molecular consequence: missense variant. On other transcripts: non-coding transcript variant (1).
Genome position (GRCh38, 1-based): chr5:128,167,862, A>C. VCF-style: chr5-128167862-A-C. GRCh37 (hg19) VCF-style: chr5-127503554-A-C.
Other names: c.2718A>C, p.Leu906Phe (NM_001256461.2); c.2718A>C (NM_001046.2); short protein forms L906F.
Identifiers: ClinVar variation 2178498 (VCV002178498.5), dbSNP rs148401961, ClinGen allele CA3393422.

ClinVar aggregate classification (germline): Uncertain significance. Review status: criteria provided, multiple submitters, no conflicts (2 of 4 stars). 2 submissions from 2 submitters: Uncertain significance (2). Last evaluated 2024-10-01.

Conditions:
Inborn genetic diseases. Identifiers: MedGen C0950123, MeSH D030342.

Allele frequency attached by ClinVar (database versions not stated): gnomAD exomes 0.00001; ExAC 0.00002; gnomAD 0.00005; ESP Exome Variant Server 0.00008; TOPMed 0.00013.
gnomAD v4.1: 18 of 1,506,714 alleles (0.0012%); highest among the groups gnomAD compares: African/African-American, 0.022%; no homozygotes.

Submissions (2):

Ambry Genetics
Classification: Uncertain significance for Inborn genetic diseases. Last evaluated: 2024-10-01. Review status: criteria provided, single submitter. Criteria: Ambry Variant Classification Scheme 2023. Collection method: clinical testing. Allele origin: germline.

Labcorp Genetics (formerly Invitae), Labcorp
Classification: Uncertain significance. Last evaluated: 2023-03-17. Review status: criteria provided, single submitter. Criteria: Invitae Variant Classification Sherloc (09022015). Collection method: clinical testing. Allele origin: germline.
Comment: This variant has not been reported in the literature in individuals affected with SLC12A2-related conditions. This sequence change replaces leucine, which is neutral and non-polar, with phenylalanine, which is neutral and non-polar, at codon 906 of the SLC12A2 protein (p.Leu906Phe). This variant is present in population databases (rs148401961, gnomAD 0.02%). ClinVar contains an entry for this variant (Variation ID: 2178498). Advanced modeling of protein sequence and biophysical properties (such as structural, functional, and spatial information, amino acid conservation, physicochemical variation, residue mobility, and thermodynamic stability) has been performed at Invitae for this missense variant, however the output from this modeling did not meet the statistical confidence thresholds required to predict the impact of this variant on SLC12A2 protein function. In summary, the available evidence is currently insufficient to determine the role of this variant in disease. Therefore, it has been classified as a Variant of Uncertain Significance.